The following is an entry in ClinVar:

ClinVar aggregate classification (germline): Uncertain significance. Review status: criteria provided, multiple submitters, no conflicts (2 of 4 stars). 3 submissions from 3 submitters: Uncertain significance (3). Last evaluated 2026-04-13.

Conditions:
Developmental and epileptic encephalopathy, 12 (DEE12). Identifiers: MedGen C3150988, MONDO:0013389, OMIM 613722.
Inborn genetic diseases. Identifiers: MedGen C0950123, MeSH D030342.

Submissions (3):

Women's Health and Genetics/Laboratory Corporation of America, LabCorp
Classification: Uncertain significance. Last evaluated: 2026-04-13. Review status: criteria provided, single submitter. Criteria: LabCorp Variant Classification Summary - May 2015. Collection method: clinical testing. Allele origin: germline.
Comment: Variant summary: PNKP c.389_391delAGA (p.Lys130del) results in an in-frame deletion that is predicted to remove one amino acid from the encoded protein. The variant allele was found at a frequency of 1.2e-05 in 251416 control chromosomes. The available data on variant occurrences in the general population are insufficient to allow any conclusion about variant significance. To our knowledge, no occurrence of c.389_391delAGA in individuals affected with PNKP-related conditions and no experimental evidence demonstrating its impact on protein function have been reported. ClinVar contains an entry for this variant (Variation ID: 1972625). Based on the evidence outlined above, the variant was classified as uncertain significance.

Labcorp Genetics (formerly Invitae), Labcorp
Classification: Uncertain significance for Developmental and epileptic encephalopathy, 12. Last evaluated: 2023-08-17. Review status: criteria provided, single submitter. Criteria: Invitae Variant Classification Sherloc (09022015). Collection method: clinical testing. Allele origin: germline.
Comment: This variant is present in population databases (no rsID available, gnomAD 0.004%). In summary, the available evidence is currently insufficient to determine the role of this variant in disease. Therefore, it has been classified as a Variant of Uncertain Significance. Experimental studies and prediction algorithms are not available or were not evaluated, and the functional significance of this variant is currently unknown. ClinVar contains an entry for this variant (Variation ID: 1972625). This variant has not been reported in the literature in individuals affected with PNKP-related conditions. This variant, c.389_391del, results in the deletion of 1 amino acid(s) of the PNKP protein (p.Lys130del), but otherwise preserves the integrity of the reading frame.

Ambry Genetics
Classification: Uncertain significance for Inborn genetic diseases. Last evaluated: 2021-06-19. Review status: criteria provided, single submitter. Criteria: Ambry Variant Classification Scheme 2023. Collection method: clinical testing. Allele origin: germline.
Comment: The c.389_391delAGA (p.K130del) alteration is located in exon 4 (coding exon 3) of the PNKP gene. This alteration consists of an in-frame deletion of 3 nucleotides between nucleotide positions c.389 and c.391, resulting in the deletion of <NA> residues. Based on insufficient or conflicting evidence, the clinical significance of this alteration remains unclear.

NM_007254.4(PNKP):c.386AGA[1] (p.Lys130del)

Gene: PNKP (polynucleotide kinase 3'-phosphatase; minus strand). Cytogenetic location: 19q13.33.
Variant type: Microsatellite.
Coding change: c.386AGA[1] on transcript NM_007254.4 (MANE Select); one copy of the 3-base unit AGA starting at c.386; the reference has two copies in a row; one copy, 3 bases deleted.
Protein change: p.Lys130del; deletes lysine 130.
Molecular consequence: inframe deletion.
Genome position (GRCh38, 1-based): chr19:49,865,234-49,865,236, TCT deleted on the plus strand (AGA on the coding strand, the reverse complement: PNKP is on the minus strand); deleting any 3 consecutive bases within chr19:49,865,234-49,865,239 gives the same sequence; the position shown is the placement nearest the transcript's 3' end. VCF-style (leftmost placement, unchanged base first): chr19-49865233-CTCT-C. GRCh37 (hg19) VCF-style: chr19-50368490-CTCT-C.
Other names: c.389_391delAGA (NM_007254.4); short protein forms K130del.
Identifiers: ClinVar variation 1972625 (VCV001972625.7), dbSNP rs1218393834, ClinGen allele CA633895337.